The following is an entry in ClinVar:

NM_201384.3(PLEC):c.5783T>G (p.Leu1928Arg)

Gene: PLEC (plectin; minus strand). Cytogenetic location: 8q24.3.
Variant type: single nucleotide variant.
Coding change: c.5783T>G on transcript NM_201384.3 (MANE Select); coding-DNA position 5783, T replaced by G.
Protein change: p.Leu1928Arg; replaces leucine 1928 with arginine.
Molecular consequence: missense variant.
Genome position (GRCh38, 1-based): chr8:143,924,146, A>C on the plus strand (T>G on the coding strand, the complement: PLEC is on the minus strand). VCF-style: chr8-143924146-A-C. GRCh37 (hg19) VCF-style: chr8-144998314-A-C.
Other names: c.5864T>G, p.Leu1955Arg (NM_000445.5); c.5741T>G, p.Leu1914Arg (NM_201378.4); c.5717T>G, p.Leu1906Arg (NM_201379.3); c.6194T>G, p.Leu2065Arg (NM_201380.4); c.5687T>G, p.Leu1896Arg (NM_201381.3); c.5783T>G, p.Leu1928Arg (NM_201382.4); c.5795T>G, p.Leu1932Arg (NM_201383.3); short protein forms L2065R, L1896R, L1955R, L1906R, L1914R, L1928R, L1932R.
Identifiers: ClinVar variation 1036781 (VCV001036781.5), dbSNP rs782175736, ClinGen allele CA4926240.
Genomic context (GRCh38, chr8:143,924,146, plus strand): 5'-AGCTCCAGCTCCAGCTCCGCCTTGCCAGCGGCCGCCTTCTCGAAGCTCGCCTTCAGCGCC[A>C]GGATCTCCTCCTCCACCTGCCGCCGCTGCCTCAGCGTGTCCTCCACCAGCCCCTTCTGCC-3'
Protein context (NP_958786.1, residues 1918-1938): RQRRQVEEEI[Leu1928Arg]ALKASFEKAA

ClinVar aggregate classification (germline): Uncertain significance (1 of 4 stars; one submission).

Conditions:
Epidermolysis bullosa simplex 5C, with pyloric atresia (EBS5C). Also called: PLEC1-Related Epidermolysis Bullosa with Pyloric Atresia; Epidermolysis bullosa simplex with pyloric atresia; PLEC-Related Epidermolysis Bullosa with Pyloric Atresia. Identifiers: Orphanet 158684, MedGen C2677349, MONDO:0012807, OMIM 612138.
Epidermolysis bullosa simplex 5B, with muscular dystrophy (EBS5B). Also called: EPIDERMOLYSIS BULLOSA SIMPLEX AND LIMB-GIRDLE MUSCULAR DYSTROPHY; Epidermolysis bullosa simplex with muscular dystrophy. Identifiers: Orphanet 257, MedGen C2931072, MONDO:0009181, OMIM 226670.
Epidermolysis bullosa simplex with nail dystrophy (EBS5D). Identifiers: MedGen C4225309, MONDO:0014661, OMIM 616487.
Epidermolysis bullosa simplex, Ogna type (EBS5A). Also called: Pidermolysis bullosa simplex 5A, Ogna type; EPIDERMOLYSIS BULLOSA SIMPLEX 5A, OGNA TYPE. Identifiers: Orphanet 79401, MedGen C0432317, MONDO:0007555, OMIM 131950.
Autosomal recessive limb-girdle muscular dystrophy type 2Q (LGMDR17). Also called: MUSCULAR DYSTROPHY, LIMB-GIRDLE, AUTOSOMAL RECESSIVE 17. Identifiers: Orphanet 254361, MedGen C3150989, MONDO:0013390, OMIM 613723.

Allele frequency attached by ClinVar (database versions not stated): ExAC 0.00001; gnomAD 0.00001; gnomAD exomes 0.00001; TOPMed 0.00002.
gnomAD v4.1: 10 of 1,598,498 alleles (0.00063%); highest among the groups gnomAD compares: Admixed American, 0.0067%; no homozygotes.

Submission:

Labcorp Genetics (formerly Invitae), Labcorp
Classification: Uncertain significance for Autosomal recessive limb-girdle muscular dystrophy type 2Q; Epidermolysis bullosa simplex, Ogna type; Epidermolysis bullosa simplex with nail dystrophy; Epidermolysis bullosa simplex 5C, with pyloric atresia; Epidermolysis bullosa simplex 5B, with muscular dystrophy. Last evaluated: 2025-10-01. Review status: criteria provided, single submitter. Criteria: Invitae Variant Classification Sherloc (09022015). Collection method: clinical testing. Allele origin: germline.
Comment: This sequence change replaces leucine, which is neutral and non-polar, with arginine, which is basic and polar, at codon 1955 of the PLEC protein (p.Leu1955Arg). This variant is present in population databases (rs782175736, gnomAD 0.003%). This variant has not been reported in the literature in individuals affected with PLEC-related conditions. ClinVar contains an entry for this variant (Variation ID: 1036781). An algorithm developed to predict the effect of missense changes on protein structure and function outputs the following: PolyPhen-2: "Not Available". The arginine amino acid residue is found in multiple mammalian species, which suggests that this missense change does not adversely affect protein function. In summary, the available evidence is currently insufficient to determine the role of this variant in disease. Therefore, it has been classified as a Variant of Uncertain Significance.